The following is an entry in ClinVar:

NM_000539.3(RHO):c.422dup (p.Pro142fs)

Gene: RHO (rhodopsin; plus strand). Cytogenetic location: 3q22.1.
Variant type: Duplication.
Coding change: c.422dup on transcript NM_000539.3 (MANE Select); coding-DNA position 422, one base duplicated (A; older notation c.422dupA).
Protein change: p.Pro142fs; shifts the reading frame from proline 142.
Molecular consequence: frameshift variant.
Genome position (GRCh38, 1-based): chr3:129,530,936, A duplicated; the last of 2 consecutive A bases (chr3:129,530,935-129,530,936); duplicating either gives the same sequence. VCF-style (leftmost placement, unchanged base first): chr3-129530934-T-TA. GRCh37 (hg19) VCF-style: chr3-129249777-T-TA.
Other names: short protein forms P142fs.
Identifiers: ClinVar variation 4716516 (VCV004716516.1).
Genomic context (GRCh38, chr3:129,530,934, plus strand): 5'-AGGTGAAATTGCCCTGTGGTCCTTGGTGGTCCTGGCCATCGAGCGGTACGTGGTGGTGTG[T>TA]AAGCCCATGAGCAACTTCCGCTTCGGGGAGAACCATGCCATCATGGGCGTTGCCTTCACC-3'

ClinVar aggregate classification (germline): Pathogenic (1 of 4 stars; one submission).

Submission:

Labcorp Genetics (formerly Invitae), Labcorp
Classification: Pathogenic. Last evaluated: 2025-04-01. Review status: criteria provided, single submitter. Criteria: Invitae Variant Classification Sherloc (09022015). Collection method: clinical testing. Allele origin: germline.
Comment: This sequence change creates a premature translational stop signal (p.Pro142Alafs*189) in the RHO gene. While this is not anticipated to result in nonsense mediated decay, it is expected to disrupt the last 207 amino acid(s) of the RHO protein. This variant is not present in population databases (gnomAD no frequency). This variant has not been reported in the literature in individuals affected with RHO-related conditions. This variant disrupts a region of the RHO protein in which other variant(s) (p.Glu150Lys) have been determined to be pathogenic (PMID: 19960070, 23221340, 26887858). This suggests that this is a clinically significant region of the protein, and that variants that disrupt it are likely to be disease-causing. For these reasons, this variant has been classified as Pathogenic.

Literature cited by the submitters: PubMed 19960070; PubMed 23221340; PubMed 26887858.